The following is an entry in ClinVar:

ClinVar aggregate classification (germline): Uncertain significance (1 of 4 stars; one submission).

Allele frequency attached by ClinVar (database versions not stated): gnomAD exomes below 0.00001.
gnomAD v4.1: 4 of 1,614,244 alleles (0.00025%); highest among the groups gnomAD compares: Admixed American, 0.0017%; no homozygotes.

Submission:

Labcorp Genetics (formerly Invitae), Labcorp
Classification: Uncertain significance. Last evaluated: 2022-08-22. Review status: criteria provided, single submitter. Criteria: Invitae Variant Classification Sherloc (09022015). Collection method: clinical testing. Allele origin: germline.
Comment: In summary, the available evidence is currently insufficient to determine the role of this variant in disease. Therefore, it has been classified as a Variant of Uncertain Significance. Algorithms developed to predict the effect of missense changes on protein structure and function are either unavailable or do not agree on the potential impact of this missense change (SIFT: "Not Available"; PolyPhen-2: "Probably Damaging"; Align-GVGD: "Not Available"). This variant has not been reported in the literature in individuals affected with CEP250-related conditions. This variant is present in population databases (no rsID available, gnomAD 0.003%). This sequence change replaces glutamine, which is neutral and polar, with proline, which is neutral and non-polar, at codon 1403 of the CEP250 protein (p.Gln1403Pro).

NM_007186.6(CEP250):c.4208A>C (p.Gln1403Pro)

Gene: CEP250 (centrosomal protein 250; plus strand). Cytogenetic location: 20q11.22.
Variant type: single nucleotide variant.
Coding change: c.4208A>C on transcript NM_007186.6 (MANE Select); coding-DNA position 4208, A replaced by C.
Protein change: p.Gln1403Pro; replaces glutamine 1403 with proline.
Molecular consequence: missense variant.
Genome position (GRCh38, 1-based): chr20:35,502,577, A>C. VCF-style: chr20-35502577-A-C. GRCh37 (hg19) VCF-style: chr20-34090405-A-C.
Other names: c.2312A>C, p.Gln771Pro (NM_001318219.1); short protein forms Q1403P, Q771P.
Identifiers: ClinVar variation 1962496 (VCV001962496.5), dbSNP rs1317802177, ClinGen allele CA408747684.
Genomic context (GRCh38, chr20:35,502,577, plus strand): 5'-CGGCTCGCTCAGCACTGAAGCTGAAAAATGAGGAAGTAGAGAGTGAGCGTGAGAGAGCCC[A>C]GGCTCTGCAAGAGCAGGGCGAACTGAAGGTGGCCCAAGGGAAGGCTCTGCAAGAGAATTT-3'
Protein context (NP_009117.2, residues 1393-1413): EEVESERERA[Gln1403Pro]ALQEQGELKV